The following is an entry in ClinVar:

NM_000733.4(CD3E):c.416dup (p.Cys139fs)

Gene: CD3E (CD3 epsilon subunit of T-cell receptor complex; plus strand). Cytogenetic location: 11q23.3.
Variant type: Duplication.
Coding change: c.416dup on transcript NM_000733.4 (MANE Select); coding-DNA position 416, one base duplicated (G; older notation c.416dupG).
Protein change: p.Cys139fs; shifts the reading frame from cysteine 139.
Molecular consequence: frameshift variant.
Genome position (GRCh38, 1-based): chr11:118,313,770, G duplicated. VCF-style (leftmost placement, unchanged base first): chr11-118313769-T-TG. GRCh37 (hg19) VCF-style: chr11-118184484-T-TG.
Other names: short protein forms C139fs.
Identifiers: ClinVar variation 4721598 (VCV004721598.1).

ClinVar aggregate classification (germline): Pathogenic (1 of 4 stars; one submission).

Conditions:
Immunodeficiency 18 (IMD18). Also called: CD3epsilon deficiency; CD3-EPSILON DEFICIENCY. Identifiers: MedGen C3810127, MONDO:0014278, OMIM 615615.

Submission:

Labcorp Genetics (formerly Invitae), Labcorp
Classification: Pathogenic for Immunodeficiency 18. Last evaluated: 2025-06-25. Review status: criteria provided, single submitter. Criteria: Invitae Variant Classification Sherloc (09022015). Collection method: clinical testing. Allele origin: germline.
Comment: This sequence change creates a premature translational stop signal (p.Cys139Trpfs*17) in the CD3E gene. It is expected to result in an absent or disrupted protein product. Loss-of-function variants in CD3E are known to be pathogenic (PMID: 8490660, 15546002). This variant is not present in population databases (gnomAD no frequency). This variant has not been reported in the literature in individuals affected with CD3E-related conditions. For these reasons, this variant has been classified as Pathogenic.

Literature cited by the submitters: PubMed 8490660; PubMed 15546002.